The following is an entry in ClinVar:

ClinVar aggregate classification (germline): Uncertain significance (1 of 4 stars; one submission).

Conditions:
Mitochondrial DNA depletion syndrome 9 (MTDPS9). Also called: SUCLG1-Related Mitochondrial DNA Depletion Syndrome, Encephalomyopathic Form with Methylmalonic Aciduria. Identifiers: Orphanet 17, MedGen C3151476, MONDO:0009504, OMIM 245400.

Allele frequency attached by ClinVar (database versions not stated): gnomAD exomes below 0.00001; gnomAD 0.00001; TOPMed 0.00001.
gnomAD v4.1: 5 of 1,603,202 alleles (0.00031%); highest among the groups gnomAD compares: Middle Eastern, 0.017%; no homozygotes.

Submission:

Labcorp Genetics (formerly Invitae), Labcorp
Classification: Uncertain significance for Mitochondrial DNA depletion syndrome 9. Last evaluated: 2022-08-20. Review status: criteria provided, single submitter. Criteria: Invitae Variant Classification Sherloc (09022015). Collection method: clinical testing. Allele origin: germline.
Comment: In summary, the available evidence is currently insufficient to determine the role of this variant in disease. Therefore, it has been classified as a Variant of Uncertain Significance. Algorithms developed to predict the effect of missense changes on protein structure and function (SIFT, PolyPhen-2, Align-GVGD) all suggest that this variant is likely to be tolerated. This missense change has been observed in individual(s) with mitochondrial encephalomyopathy (PMID: 33230783). This variant is not present in population databases (gnomAD no frequency). This sequence change replaces cysteine, which is neutral and slightly polar, with serine, which is neutral and polar, at codon 60 of the SUCLG1 protein (p.Cys60Ser).

Literature cited by the submitters: PubMed 33230783.

NM_003849.4(SUCLG1):c.178T>A (p.Cys60Ser)

Gene: SUCLG1 (succinate-CoA ligase GDP/ADP-forming subunit alpha; minus strand). Cytogenetic location: 2p11.2.
Variant type: single nucleotide variant.
Coding change: c.178T>A on transcript NM_003849.4 (MANE Select); coding-DNA position 178, T replaced by A.
Protein change: p.Cys60Ser; replaces cysteine 60 with serine.
Molecular consequence: missense variant.
Genome position (GRCh38, 1-based): chr2:84,449,672, A>T on the plus strand (T>A on the coding strand, the complement: SUCLG1 is on the minus strand). VCF-style: chr2-84449672-A-T. GRCh37 (hg19) VCF-style: chr2-84676796-A-T.
Other names: short protein forms C60S.
Identifiers: ClinVar variation 2140629 (VCV002140629.4), dbSNP rs1335315690, ClinGen allele CA347517125.